The following is an entry in ClinVar:

NM_033305.3(VPS13A):c.3600C>T (p.Leu1200=)

Gene: VPS13A (vacuolar protein sorting 13 homolog A; plus strand). Cytogenetic location: 9q21.2.
Variant type: single nucleotide variant.
Coding change: c.3600C>T on transcript NM_033305.3 (MANE Select); coding-DNA position 3600, C replaced by T.
Protein change: p.Leu1200=; no amino-acid change (leucine 1200 retained).
Molecular consequence: synonymous variant.
Genome position (GRCh38, 1-based): chr9:77,295,634, C>T. VCF-style: chr9-77295634-C-T. GRCh37 (hg19) VCF-style: chr9-79910550-C-T.
Other names: p.Leu1200=; c.3483C>T, p.Leu1161= (NM_001018037.2); c.3600C>T, p.Leu1200= (NM_001018038.3, NM_015186.4).
Identifiers: ClinVar variation 698882 (VCV000698882.10), dbSNP rs376174010, ClinGen allele CA5092301.

ClinVar aggregate classification (germline): Likely benign. Review status: criteria provided, multiple submitters, no conflicts (2 of 4 stars). 2 submissions from 2 submitters: Likely benign (2). Last evaluated 2026-01-19.

Allele frequency attached by ClinVar (database versions not stated): ExAC 0.00004; gnomAD 0.00006; TOPMed 0.00006; ESP Exome Variant Server 0.00008; gnomAD exomes 0.00008.
gnomAD v4.1: 92 of 1,613,858 alleles (0.0057%); highest among the groups gnomAD compares: Admixed American, 0.027%; no homozygotes.

Submissions (2):

Labcorp Genetics (formerly Invitae), Labcorp
Classification: Likely benign. Last evaluated: 2026-01-19. Review status: criteria provided, single submitter. Criteria: Invitae Variant Classification Sherloc (09022015). Collection method: clinical testing. Allele origin: germline.

Mayo Clinic Laboratories, Mayo Clinic
Classification: Likely benign. Last evaluated: 2025-07-15. Review status: criteria provided, single submitter. Criteria: ACMG Guidelines, 2015. Collection method: clinical testing. Allele origin: germline. Observed: 1 variant allele.
Comment: BP4, BP7